The following is an entry in ClinVar:

ClinVar aggregate classification (germline): Likely benign (1 of 4 stars; one submission).

Allele frequency attached by ClinVar (database versions not stated): TOPMed below 0.00001; gnomAD 0.00001.
gnomAD v4.1: 18 of 1,611,586 alleles (0.0011%); highest among the groups gnomAD compares: South Asian, 0.0066%; no homozygotes.

Submission:

CeGaT Center for Human Genetics Tuebingen
Classification: Likely benign. Last evaluated: 2022-08-01. Review status: criteria provided, single submitter. Criteria: CeGaT Center For Human Genetics Tuebingen Variant Classification Criteria Version 2. Collection method: clinical testing. Allele origin: germline. Affected: yes. Observed: 1 variant allele.
Comment: P4HTM: BP4, BP7

NM_177939.3(P4HTM):c.921C>T (p.Ile307=)

Gene: P4HTM (prolyl 4-hydroxylase, transmembrane; plus strand). Cytogenetic location: 3p21.31.
Variant type: single nucleotide variant.
Coding change: c.921C>T on transcript NM_177939.3 (MANE Select); coding-DNA position 921, C replaced by T.
Protein change: p.Ile307=; no amino-acid change (isoleucine 307 retained).
Molecular consequence: synonymous variant.
Genome position (GRCh38, 1-based): chr3:49,004,894, C>T. VCF-style: chr3-49004894-C-T. GRCh37 (hg19) VCF-style: chr3-49042327-C-T.
Other names: c.921C>T, p.Ile307= (NM_177938.2).
Identifiers: ClinVar variation 2653811 (VCV002653811.24), dbSNP rs770183332, ClinGen allele CA2388416.